The following is an entry in ClinVar:

ClinVar aggregate classification (germline): Pathogenic. Review status: criteria provided, multiple submitters, no conflicts (2 of 4 stars). 2 submissions from 2 submitters: Pathogenic (2). Last evaluated 2025-10-31.

Conditions:
Jeune thoracic dystrophy. Also called: Jeune syndrome; Infantile thoracic dystrophy; Thoracic pelvic phalangeal dystrophy; Jeune's syndrome; Chondroectodermal dysplasia-like syndrome; Short-rib thoracic dysplasia. Identifiers: Orphanet 474, MedGen C0265275, MONDO:0018770.
Asphyxiating thoracic dystrophy 3. Also called: SHORT-RIB THORACIC DYSPLASIA 3 WITH OR WITHOUT POLYDACTYLY; POLYDACTYLY WITH NEONATAL CHONDRODYSTROPHY, TYPE I; SHORT-RIB THORACIC DYSPLASIA 3/6 WITH POLYDACTYLY, DIGENIC; Short rib polydactyly syndrome 2B; Saldino-Noonan Syndrome. Identifiers: Orphanet 474, Orphanet 93269, Orphanet 93270, Orphanet 93271, MedGen C0036069, MONDO:0013127, OMIM 613091.

Allele frequency attached by ClinVar (database versions not stated): gnomAD exomes below 0.00001; TOPMed 0.00001.
gnomAD v4.1: 2 of 1,613,430 alleles (0.00012%); highest among the groups gnomAD compares: Non-Finnish European, 0.00017%; no homozygotes.

Submissions (2):

Myriad Genetics, Inc.
Classification: Pathogenic for Asphyxiating thoracic dystrophy 3. Last evaluated: 2025-10-31. Review status: criteria provided, single submitter. Criteria: Myriad Autosomal Dominant, Autosomal Recessive and X-Linked Classification Criteria (2023). Collection method: clinical testing. Allele origin: unknown.
Comment: NM_001377.2(DYNC2H1):c.12512C>A(S4171*) is expected to be pathogenic in the context of DYNC2H1-related disorders. This variant is predicted to lead to an abnormal or absent protein product due to the creation of a premature termination codon in DYNC2H1, a gene where loss-of-function variants are known to be pathogenic. Please note: this variant was assessed in the context of healthy population screening.

Labcorp Genetics (formerly Invitae), Labcorp
Classification: Pathogenic for Jeune thoracic dystrophy. Last evaluated: 2023-01-05. Review status: criteria provided, single submitter. Criteria: Invitae Variant Classification Sherloc (09022015). Collection method: clinical testing. Allele origin: germline.
Comment: For these reasons, this variant has been classified as Pathogenic. This variant has not been reported in the literature in individuals affected with DYNC2H1-related conditions. This variant is present in population databases (no rsID available, gnomAD 0.0009%). This sequence change creates a premature translational stop signal (p.Ser4178*) in the DYNC2H1 gene. It is expected to result in an absent or disrupted protein product. Loss-of-function variants in DYNC2H1 are known to be pathogenic (PMID: 23339108, 32753734).

Literature cited by the submitters: PubMed 23339108 (cited by Labcorp Genetics (formerly Invitae), Labcorp); PubMed 32753734 (cited by Labcorp Genetics (formerly Invitae), Labcorp).

NM_001377.3(DYNC2H1):c.12512C>A (p.Ser4171Ter)

Gene: DYNC2H1 (dynein cytoplasmic 2 heavy chain 1; plus strand). Cytogenetic location: 11q22.3.
Variant type: single nucleotide variant.
Coding change: c.12512C>A on transcript NM_001377.3 (MANE Select); coding-DNA position 12512, C replaced by A.
Protein change: p.Ser4171Ter; replaces serine 4171 with a stop codon.
Molecular consequence: nonsense.
Genome position (GRCh38, 1-based): chr11:103,455,241, C>A. VCF-style: chr11-103455241-C-A. GRCh37 (hg19) VCF-style: chr11-103325969-C-A.
Other names: c.12533C>A, p.Ser4178Ter (NM_001080463.2); short protein forms S4171*, S4178*.
Identifiers: ClinVar variation 2905051 (VCV002905051.4), dbSNP rs1379977343, ClinGen allele CA382289543.